The following is an entry in ClinVar:

ClinVar aggregate classification (germline): Benign. Review status: criteria provided, multiple submitters, no conflicts (2 of 4 stars). 11 submissions from 10 submitters: Benign (10). 1 of the submissions does not count toward it. Last evaluated 2026-02-04.

Conditions:
Tuberous sclerosis syndrome (TSC). Also called: Tuberous Sclerosis Complex; Tuberous sclerosis. Identifiers: Orphanet 805, MedGen C0041341, MONDO:0001734.
Isolated focal cortical dysplasia type II (FCORD2). Also called: CORTICAL DYSPLASIA OF TAYLOR; Focal cortical dysplasia type II. Identifiers: Orphanet 268994, MedGen C1846385, MONDO:0011818, OMIM 607341, HP:0032051.
Tuberous sclerosis 1 (TSC1). Identifiers: Orphanet 805, MedGen C1854465, MONDO:0008612, OMIM 191100.

Allele frequency attached by ClinVar (database versions not stated): ESP Exome Variant Server 0.00008; gnomAD 0.00187 and 0.00266; gnomAD exomes 0.00230 and 0.00536; TOPMed 0.00303; ExAC 0.00525; 1000 Genomes Project 30x 0.01296; 1000 Genomes Project 0.01398.
gnomAD v4.1: 3,771 of 1,613,860 alleles (0.23%); highest among the groups gnomAD compares: East Asian, 7.4%; 129 homozygotes.

Submissions (11):

Labcorp Genetics (formerly Invitae), Labcorp
Classification: Benign for Tuberous sclerosis 1. Last evaluated: 2026-02-04. Review status: criteria provided, single submitter. Criteria: Invitae Variant Classification Sherloc (09022015). Collection method: clinical testing. Allele origin: germline.

KCCC/NGS Laboratory, Kuwait Cancer Control Center
Classification: Benign for Tuberous sclerosis 1. Last evaluated: 2023-07-07. Review status: criteria provided, single submitter. Criteria: ACMG Guidelines, 2015. Collection method: clinical testing. Allele origin: germline. Affected: yes.

Genome-Nilou Lab
Classification: Benign for Tuberous sclerosis 1. Last evaluated: 2021-11-07. Review status: criteria provided, single submitter. Criteria: ACMG Guidelines, 2015. Collection method: clinical testing. Allele origin: germline. Affected: no.

Department of Pathology and Laboratory Medicine, Sinai Health System
Classification: Benign for tuberous sclerosis. Last evaluated: 2021-09-08. Review status: criteria provided, single submitter. Criteria: ACMG Guidelines, 2015. Collection method: clinical testing. Allele origin: germline. Affected: yes.

Illumina Laboratory Services, Illumina
Classification: Benign for Tuberous sclerosis 1. Last evaluated: 2018-01-13. Review status: criteria provided, single submitter. Criteria: ICSL Variant Classification Criteria 13 December 2019. Collection method: clinical testing. Allele origin: germline.
Comment: This variant was observed in the ICSL laboratory as part of a predisposition screen in an ostensibly healthy population. It had not been previously curated by ICSL or reported in the Human Gene Mutation Database (HGMD: prior to June 1st, 2018), and was therefore a candidate for classification through an automated scoring system. Utilizing variant allele frequency, disease prevalence and penetrance estimates, and inheritance mode, an automated score was calculated to assess if this variant is too frequent to cause the disease. Based on the score and internal cut-off values, a variant classified as benign is not then subjected to further curation. The score for this variant resulted in a classification of benign for this disease.

Illumina Laboratory Services, Illumina
Classification: Benign for Isolated focal cortical dysplasia type II. Last evaluated: 2018-01-13. Review status: criteria provided, single submitter. Criteria: ICSL Variant Classification Criteria 13 December 2019. Collection method: clinical testing. Allele origin: germline.
Comment: the same text as in the submission from Illumina Laboratory Services, Illumina above.

Women's Health and Genetics/Laboratory Corporation of America, LabCorp
Classification: Benign. Last evaluated: 2016-05-26. Review status: criteria provided, single submitter. Criteria: LabCorp Variant Classification Summary - May 2015. Collection method: clinical testing. Allele origin: germline.
Comment: Variant summary: The TSC1 c.106+15A>G variant involves the alteration of a non-conserved intronic nucleotide. One in silico tool predicts a benign outcome for this variant along with 5/5 in silico splice prediction tools predicting the variant not to have an impact on normal splicing. This variant was found in 630/119968 control chromosomes (26 homozygotes), predominantly observed in the East Asian subpopulation (25 homozygotes) at a frequency of 0.0705565 (601/8518). This frequency greatly exceeds the estimated maximal expected allele frequency of a pathogenic TSC1 variant (0.000025), suggesting this is likely a benign polymorphism found primarily in populations of East Asian origin. In addition, one clinical diagnostic laboratory classified this variant as Benign. Taken together, this variant is classified as Benign.

GeneDx
Classification: Benign. Last evaluated: 2013-10-14. Review status: criteria provided, single submitter. Criteria: GeneDx Variant Classification (06012015). Collection method: clinical testing. Allele origin: germline. Affected: yes.
Comment: This variant is considered likely benign or benign based on one or more of the following criteria: it is a conservative change, it occurs at a poorly conserved position in the protein, it is predicted to be benign by multiple in silico algorithms, and/or has population frequency not consistent with disease.

Laboratory for Molecular Medicine, Mass General Brigham Personalized Medicine
Classification: Benign. Last evaluated: 2013-02-21. Review status: criteria provided, single submitter. Criteria: LMM Criteria. Collection method: clinical testing. Allele origin: germline. Observed: 1 variant allele.
Comment: 106+15A>G in intron 3 of TSC1: This variant is not expected to have clinical sig nificance because it is not located within the conserved splice consensus sequen ce. It has been identified in 9.6% (17/178) of Japanese chromosomes from a broad population by the 1000 Genomes Project (P; dbSNP rs80258442).

PreventionGenetics, part of Exact Sciences
Classification: Benign. Review status: criteria provided, single submitter. Criteria: ACMG Guidelines, 2015. Collection method: clinical testing. Allele origin: germline.

Tuberous sclerosis database (TSC1)
No classification provided. Condition: TSC. Review status: no classification provided. Criteria: Tuberous Sclerosis Database Assertion Criteria 2015. Collection method: curation. Allele origin: germline. Affected: yes and no. Not counted in ClinVar's aggregate classification.

NM_000368.5(TSC1):c.106+15A>G

Gene: TSC1 (TSC complex subunit 1; minus strand). Cytogenetic location: 9q34.13.
Variant type: single nucleotide variant.
Coding change: c.106+15A>G on transcript NM_000368.5 (MANE Select); 15 bases into the intron after coding-DNA position 106, A replaced by G.
Molecular consequence: intron variant.
Genome position (GRCh38, 1-based): chr9:132,928,752, T>C on the plus strand (A>G on the coding strand, the complement: TSC1 is on the minus strand). VCF-style: chr9-132928752-T-C. GRCh37 (hg19) VCF-style: chr9-135804139-T-C.
Other names: c.-154+15A>G (NM_001362177.2); c.106+15A>G (NM_001162427.2, NM_001162426.2).
Identifiers: ClinVar variation 48737 (VCV000048737.21), dbSNP rs80258442, ClinGen allele CA004368.